The following is an entry in ClinVar:

ClinVar aggregate classification (germline): Pathogenic. Review status: criteria provided, single submitter (1 of 4 stars). 2 submissions from 2 submitters: Pathogenic (1). 1 of the submissions does not count toward it. Last evaluated 2019-11-15.

Conditions:
Exostoses, multiple, type 1 (EXT1). Also called: Hereditary Multiple Osteochondromatosis, Type I; EXOSTOSES, MULTIPLE, TYPE I. Identifiers: MedGen CN263289, MONDO:0007585, OMIM 133700.
Multiple congenital exostosis (EXT). Also called: MULTIPLE CARTILAGINOUS EXOSTOSES; Hereditary multiple osteochondromas; Multiple exostoses; Hereditary multiple exostoses; Hereditary multiple exostosis; Multiple osteochondromas. Identifiers: Orphanet 321, MedGen C0015306, MONDO:0005508, HP:0002762.

Submissions (2):

Labcorp Genetics (formerly Invitae), Labcorp
Classification: Pathogenic for Multiple congenital exostosis. Last evaluated: 2019-11-15. Review status: criteria provided, single submitter. Criteria: Invitae Variant Classification Sherloc (09022015). Collection method: clinical testing. Allele origin: germline.
Comment: This sequence change affects a donor splice site in intron 1 of the EXT1 gene. It is expected to disrupt RNA splicing and likely results in an absent or disrupted protein product. This variant is not present in population databases (ExAC no frequency). This variant has been observed in individual(s) with multiple hereditary exostoses (PMID: 15253765). It has also been observed to segregate with disease in related individuals. ClinVar contains an entry for this variant (Variation ID: 2501). Algorithms developed to predict the effect of sequence changes on RNA splicing suggest that this variant may disrupt the consensus splice site, but this prediction has not been confirmed by published transcriptional studies. Donor and acceptor splice site variants typically lead to a loss of protein function (PMID: 16199547), and loss-of-function variants in EXT1 are known to be pathogenic (PMID: 10679937, 11391482, 19810120). For these reasons, this variant has been classified as Pathogenic.

OMIM
Classification: Pathogenic for EXOSTOSES, MULTIPLE, TYPE I. Last evaluated: 2004-08-01. Review status: no assertion criteria provided. Collection method: literature only. Allele origin: germline. Not counted in ClinVar's aggregate classification.

Literature cited by the submitters: PubMed 15253765 (cited by Labcorp Genetics (formerly Invitae), Labcorp and OMIM); PubMed 16199547 (cited by Labcorp Genetics (formerly Invitae), Labcorp); PubMed 10679937 (cited by Labcorp Genetics (formerly Invitae), Labcorp); PubMed 11391482 (cited by Labcorp Genetics (formerly Invitae), Labcorp); PubMed 19810120 (cited by Labcorp Genetics (formerly Invitae), Labcorp).

NM_000127.3(EXT1):c.962+1G>C

Gene: EXT1 (exostosin glycosyltransferase 1; minus strand). Cytogenetic location: 8q24.11.
Variant type: single nucleotide variant.
Coding change: c.962+1G>C on transcript NM_000127.3 (MANE Select); the canonical splice donor site of the intron after coding-DNA position 962, G replaced by C.
Molecular consequence: splice donor variant.
Genome position (GRCh38, 1-based): chr8:118,110,084, C>G on the plus strand (G>C on the coding strand, the complement: EXT1 is on the minus strand). VCF-style: chr8-118110084-C-G. GRCh37 (hg19) VCF-style: chr8-119122323-C-G.
Other names: IVS1DS, G-C.
Identifiers: ClinVar variation 2501 (VCV000002501.12), dbSNP rs886039353, ClinGen allele CA371914651.
Genomic context (GRCh38, chr8:118,110,084, plus strand): 5'-TGGACCAAGGCCGGCAGAGCCCAAGGCTGACTCCCAAAGACACGCCAGCCCAGACACTTA[C>G]TTCTCATACTCGGTGTTGTCTCTGTCACAGCGAGAATCCTTGTGCTTTTGCCAGTCTTTG-3'